The following is an entry in ClinVar:

ClinVar aggregate classification (germline): Uncertain significance (1 of 4 stars; one submission).

Allele frequency attached by ClinVar (database versions not stated): ExAC 0.00003; gnomAD exomes 0.00007.
gnomAD v4.1: 81 of 1,610,904 alleles (0.005%); highest among the groups gnomAD compares: Admixed American, 0.012%; no homozygotes.

Submission:

Labcorp Genetics (formerly Invitae), Labcorp
Classification: Uncertain significance. Last evaluated: 2022-08-10. Review status: criteria provided, single submitter. Criteria: Invitae Variant Classification Sherloc (09022015). Collection method: clinical testing. Allele origin: germline.
Comment: This sequence change replaces proline, which is neutral and non-polar, with leucine, which is neutral and non-polar, at codon 80 of the ECHS1 protein (p.Pro80Leu). This variant is present in population databases (rs199890314, gnomAD 0.01%). This missense change has been observed in individual(s) with clinical features of mitochondrial short-chain enoyl-CoA hydratase 1 deficiency (PMID: 32677093). ClinVar contains an entry for this variant (Variation ID: 1348311). Advanced modeling of protein sequence and biophysical properties (such as structural, functional, and spatial information, amino acid conservation, physicochemical variation, residue mobility, and thermodynamic stability) performed at Invitae indicates that this missense variant is expected to disrupt ECHS1 protein function. In summary, the available evidence is currently insufficient to determine the role of this variant in disease. Therefore, it has been classified as a Variant of Uncertain Significance.

Literature cited by the submitters: PubMed 32677093.

NM_004092.4(ECHS1):c.239C>T (p.Pro80Leu)

Gene: ECHS1 (enoyl-CoA hydratase, short chain 1; minus strand). Cytogenetic location: 10q26.3.
Variant type: single nucleotide variant.
Coding change: c.239C>T on transcript NM_004092.4 (MANE Select); coding-DNA position 239, C replaced by T.
Protein change: p.Pro80Leu; replaces proline 80 with leucine.
Molecular consequence: missense variant.
Genome position (GRCh38, 1-based): chr10:133,370,607, G>A on the plus strand (C>T on the coding strand, the complement: ECHS1 is on the minus strand). VCF-style: chr10-133370607-G-A. GRCh37 (hg19) VCF-style: chr10-135184111-G-A.
Other names: short protein forms P80L.
Identifiers: ClinVar variation 1348311 (VCV001348311.5), dbSNP rs199890314, ClinGen allele CA5765846.